The following is an entry in ClinVar:

NM_005216.5(DDOST):c.1209C>T (p.Arg403=)

Gene: DDOST (dolichyl-diphosphooligosaccharide--protein glycosyltransferase non-catalytic subunit; minus strand). Cytogenetic location: 1p36.12.
Variant type: single nucleotide variant.
Coding change: c.1209C>T on transcript NM_005216.5 (MANE Select); coding-DNA position 1209, C replaced by T.
Protein change: p.Arg403=; no amino-acid change (arginine 403 retained).
Molecular consequence: synonymous variant.
Genome position (GRCh38, 1-based): chr1:20,652,490, G>A on the plus strand (C>T on the coding strand, the complement: DDOST is on the minus strand). VCF-style: chr1-20652490-G-A. GRCh37 (hg19) VCF-style: chr1-20978983-G-A.
Identifiers: ClinVar variation 384223 (VCV000384223.12), dbSNP rs148883998, ClinGen allele CA660989.

ClinVar aggregate classification (germline): Benign/Likely benign. Review status: criteria provided, multiple submitters, no conflicts (2 of 4 stars). 3 submissions from 3 submitters: Benign (1); Likely benign (2). Last evaluated 2026-01-27.

Conditions:
Congenital disorder of glycosylation type Ir (CDG1R). Also called: DDOST-congenital disorder of glycosylation. Identifiers: Orphanet 300536, MedGen C3281084, MONDO:0013789, OMIM 614507.

Allele frequency attached by ClinVar (database versions not stated): gnomAD 0.00130 and 0.00148; gnomAD exomes 0.00015 and 0.00037; ExAC 0.00050; 1000 Genomes Project 30x 0.00078; 1000 Genomes Project 0.00100; ESP Exome Variant Server 0.00108; TOPMed 0.00141.
gnomAD v4.1: 425 of 1,614,004 alleles (0.026%); highest among the groups gnomAD compares: African/African-American, 0.5%; no homozygotes.

Submissions (3):

Labcorp Genetics (formerly Invitae), Labcorp
Classification: Benign for Congenital disorder of glycosylation type Ir. Last evaluated: 2026-01-27. Review status: criteria provided, single submitter. Criteria: Invitae Variant Classification Sherloc (09022015). Collection method: clinical testing. Allele origin: germline.

Blueprint Genetics
Classification: Likely benign. Last evaluated: 2024-07-05. Review status: criteria provided, single submitter. Criteria: ACMG Guidelines, 2015. Collection method: clinical testing. Allele origin: germline.

GeneDx
Classification: Likely benign. Last evaluated: 2016-03-09. Review status: criteria provided, single submitter. Criteria: GeneDx Variant Classification (06012015). Collection method: clinical testing. Allele origin: germline. Affected: yes.
Comment: This variant is considered likely benign or benign based on one or more of the following criteria: it is a conservative change, it occurs at a poorly conserved position in the protein, it is predicted to be benign by multiple in silico algorithms, and/or has population frequency not consistent with disease.